The following is an entry in ClinVar:

ClinVar aggregate classification (germline): Conflicting classifications of pathogenicity. Review status: criteria provided, conflicting classifications (1 of 4 stars). 3 submissions from 3 submitters: Uncertain significance (2); Likely benign (1). Last evaluated 2026-04-23.

Conditions:
Xanthinuria type II. Also called: Xanthine dehydrogenase and aldehyde oxidase combined deficiency of; XDH and AOX dual deficiency. Identifiers: Orphanet 3467, Orphanet 93602, MedGen C1863688, MONDO:0011346, OMIM 603592.
MOCOS-related disorder. Also called: MOCOS-related condition.

Allele frequency attached by ClinVar (database versions not stated): gnomAD exomes 0.00005; ExAC 0.00019; ESP Exome Variant Server 0.00038; gnomAD 0.00056; TOPMed 0.00059; 1000 Genomes Project 0.00060; 1000 Genomes Project 30x 0.00062.
gnomAD v4.1: 157 of 1,614,084 alleles (0.0097%); highest among the groups gnomAD compares: African/African-American, 0.19%; 1 homozygote.

Submissions (3):

PreventionGenetics, part of Exact Sciences
Classification: Likely benign for MOCOS-related condition. Last evaluated: 2026-04-23. Review status: criteria provided, single submitter. Criteria: ACMG Guidelines, 2015. Collection method: clinical testing. Allele origin: germline.
Comment: This variant is classified as likely benign based on ACMG/AMP sequence variant interpretation guidelines (Richards et al. 2015 PMID: 25741868, with internal and published modifications).

Mayo Clinic Laboratories, Mayo Clinic
Classification: Uncertain significance. Last evaluated: 2025-05-22. Review status: criteria provided, single submitter. Criteria: ACMG Guidelines, 2015. Collection method: clinical testing. Allele origin: germline. Observed: 1 variant allele.
Comment: BP4

Labcorp Genetics (formerly Invitae), Labcorp
Classification: Uncertain significance for Xanthinuria type II. Last evaluated: 2023-08-17. Review status: criteria provided, single submitter. Criteria: Invitae Variant Classification Sherloc (09022015). Collection method: clinical testing. Allele origin: germline.
Comment: This sequence change replaces threonine, which is neutral and polar, with alanine, which is neutral and non-polar, at codon 113 of the MOCOS protein (p.Thr113Ala). This variant is present in population databases (rs75201776, gnomAD 0.2%). This variant has not been reported in the literature in individuals affected with MOCOS-related conditions. ClinVar contains an entry for this variant (Variation ID: 2059151). Advanced modeling of protein sequence and biophysical properties (such as structural, functional, and spatial information, amino acid conservation, physicochemical variation, residue mobility, and thermodynamic stability) performed at Invitae indicates that this missense variant is not expected to disrupt MOCOS protein function. In summary, the available evidence is currently insufficient to determine the role of this variant in disease. Therefore, it has been classified as a Variant of Uncertain Significance.

NM_017947.4(MOCOS):c.337A>G (p.Thr113Ala)

Gene: MOCOS (molybdenum cofactor sulfurase; plus strand). Cytogenetic location: 18q12.2.
Variant type: single nucleotide variant.
Coding change: c.337A>G on transcript NM_017947.4 (MANE Select); coding-DNA position 337, A replaced by G.
Protein change: p.Thr113Ala; replaces threonine 113 with alanine.
Molecular consequence: missense variant.
Genome position (GRCh38, 1-based): chr18:36,199,720, A>G. VCF-style: chr18-36199720-A-G. GRCh37 (hg19) VCF-style: chr18-33779683-A-G.
Other names: p.Thr113Ala; c.337A>G (NM_017947.2); short protein forms T113A.
Identifiers: ClinVar variation 2059151 (VCV002059151.4), dbSNP rs75201776, ClinGen allele CA8940406.
Genomic context (GRCh38, chr18:36,199,720, plus strand): 5'-CGGGGATGCTGTGCTTCTTCCAGAATCCTGGCGCACTTCCACACCACCGCAGAAGACTAC[A>G]CTGTGATCTTCACTGCCGGGAGCACGGCTGCTCTCAAACTGGTGGCAGAGGCCTTTCCAT-3'
Protein context (NP_060417.4, residues 103-123): AHFHTTAEDY[Thr113Ala]VIFTAGSTAA